The following is an entry in ClinVar:

NM_001042492.3(NF1):c.4835+11561C>G

Gene: NF1 (neurofibromin 1; plus strand). Cytogenetic location: 17q11.2.
Variant type: single nucleotide variant.
Coding change: c.4835+11561C>G on transcript NM_001042492.3 (MANE Select); 11561 bases into the intron after coding-DNA position 4835, C replaced by G.
Molecular consequence: intron variant.
Genome position (GRCh38, 1-based): chr17:31,276,900, C>G. VCF-style: chr17-31276900-C-G. GRCh37 (hg19) VCF-style: chr17-29603918-C-G.
Other names: c.4772+11561C>G (NM_000267.4).
Identifiers: ClinVar variation 3404745 (VCV003404745.2).

ClinVar aggregate classification (germline): Likely pathogenic (1 of 4 stars; one submission).

Conditions:
Hereditary cancer-predisposing syndrome. Also called: Hereditary Cancer Syndrome; Tumor predisposition; Hereditary neoplastic syndrome; Neoplastic Syndromes, Hereditary. Identifiers: Orphanet 140162, MedGen C0027672, MeSH D009386, MONDO:0015356.
Cardiovascular phenotype. Identifiers: MedGen CN230736.

Submission:

Ambry Genetics
Classification: Likely pathogenic for Cardiovascular phenotype; Hereditary cancer-predisposing syndrome. Last evaluated: 2025-03-13. Review status: criteria provided, single submitter. Criteria: Ambry Variant Classification Scheme 2023. Collection method: clinical testing. Allele origin: germline.
Comment: The c.4772+11561C>G intronic variant results from a C to G substitution 11561 nucleotides after coding exon 35 in the NF1 gene. In silico splice site analysis predicts that this alteration will not have any significant effect on splicing; however RNA studies have demonstrated that this alteration results in abnormal splicing in the set of samples tested (Ambry internal data). This variant has been observed in at least one individual with a personal and/or family history that is consistent with Neurofibromatosis type 1 (Ambry internal data). Based on the majority of available evidence to date, this variant is likely to be pathogenic.